The following is an entry in ClinVar:

ClinVar aggregate classification (germline): Likely benign. Review status: reviewed by expert panel (3 of 4 stars). 6 submissions from 6 submitters: Likely benign (1). 5 of the submissions do not count toward it. Last evaluated 2017-06-29.

Conditions:
Breast-ovarian cancer, familial, susceptibility to, 1 (BROVCA1). Also called: BRCA1 Hereditary Breast and Ovarian Cancer; OVARIAN CANCER, SUSCEPTIBILITY TO. Identifiers: Orphanet 145, MedGen C2676676, MONDO:0011450, OMIM 604370. Disease mechanism: loss of function.
Hereditary breast ovarian cancer syndrome. Also called: Hereditary breast and ovarian cancer syndrome; Breast and ovarian cancer; Hereditary breast and ovarian cancer syndrome (HBOC); Hereditary breast and/or ovarian cancer syndrome; BRCA1- and BRCA2-Associated Hereditary Breast and Ovarian Cancer; Hereditary breast and ovarian cancer. Identifiers: Orphanet 145, MedGen C0677776, MeSH D061325, MONDO:0003582. Disease mechanism: loss of function.
Hereditary cancer-predisposing syndrome. Also called: Neoplastic Syndromes, Hereditary; Hereditary neoplastic syndrome; Hereditary Cancer Syndrome; Tumor predisposition. Identifiers: Orphanet 140162, MedGen C0027672, MeSH D009386, MONDO:0015356.

Allele frequency attached by ClinVar (database versions not stated): gnomAD exomes below 0.00001; gnomAD 0.00001; TOPMed 0.00001.
gnomAD v4.1: 2 of 1,614,116 alleles (0.00012%); highest among the groups gnomAD compares: African/African-American, 0.0027%; no homozygotes.

Submissions (6):

Evidence-based Network for the Interpretation of Germline Mutant Alleles (ENIGMA)
Classification: Likely benign for Breast-ovarian cancer, familial, susceptibility to, 1. Last evaluated: 2017-06-29. Review status: reviewed by expert panel. Criteria: ENIGMA BRCA1/2 Classification Criteria (2017-06-29). Collection method: curation. Allele origin: germline.
Comment: Synonymous substitution variant, with low bioinformatic likelihood to result in a splicing aberration (Splicing prior probability 0.02).

Labcorp Genetics (formerly Invitae), Labcorp
Classification: Likely benign for Hereditary breast ovarian cancer syndrome. Last evaluated: 2025-09-04. Review status: criteria provided, single submitter. Criteria: Invitae Variant Classification Sherloc (09022015). Collection method: clinical testing. Allele origin: germline. Not counted in ClinVar's aggregate classification.

Quest Diagnostics Nichols Institute San Juan Capistrano
Classification: Likely benign. Last evaluated: 2025-02-28. Review status: criteria provided, single submitter. Criteria: Quest Diagnostics criteria. Collection method: clinical testing. Allele origin: unknown. Not counted in ClinVar's aggregate classification.

All of Us Research Program, National Institutes of Health
Classification: Likely benign for Breast-ovarian cancer, familial, susceptibility to, 1. Last evaluated: 2023-12-01. Review status: criteria provided, single submitter. Criteria: ACMG Guidelines, 2015. Collection method: clinical testing. Allele origin: germline. Inheritance: Autosomal dominant inheritance. Observed: 1 variant allele, 1 heterozygote. Not counted in ClinVar's aggregate classification.
Comment: This study involves interpretation of variants in research participants for the purpose of population health screening. Participant phenotype was not available at the time of variant classification. Additional details can be found in publication PMID: 35346344, PMCID: PMC8962531

GeneDx
Classification: Likely benign. Last evaluated: 2017-11-01. Review status: criteria provided, single submitter. Criteria: GeneDx Variant Classification (06012015). Collection method: clinical testing. Allele origin: germline. Affected: yes. Not counted in ClinVar's aggregate classification.
Comment: This variant is considered likely benign or benign based on one or more of the following criteria: it is a conservative change, it occurs at a poorly conserved position in the protein, it is predicted to be benign by multiple in silico algorithms, and/or has population frequency not consistent with disease.

Ambry Genetics
Classification: Likely benign for Hereditary cancer-predisposing syndrome. Last evaluated: 2017-05-25. Review status: criteria provided, single submitter. Criteria: Ambry Variant Classification Scheme 2023. Collection method: clinical testing. Allele origin: germline. Not counted in ClinVar's aggregate classification.

NM_007294.4(BRCA1):c.4242A>G (p.Leu1414=)

Gene: BRCA1 (BRCA1 DNA repair associated; minus strand). Cytogenetic location: 17q21.31.
Variant type: single nucleotide variant.
Coding change: c.4242A>G on transcript NM_007294.4 (MANE Select); coding-DNA position 4242, A replaced by G.
Protein change: p.Leu1414=; no amino-acid change (leucine 1414 retained).
Molecular consequence: synonymous variant.
Genome position (GRCh38, 1-based): chr17:43,082,519, T>C on the plus strand (A>G on the coding strand, the complement: BRCA1 is on the minus strand). VCF-style: chr17-43082519-T-C. GRCh37 (hg19) VCF-style: chr17-41234536-T-C.
Other names: c.4029A>G, p.Leu1343= (NM_001407571.1, NM_001407853.1, NM_001407894.1 and 12 more transcripts); c.4242A>G, p.Leu1414= (NM_001407581.1, NM_001407582.1, NM_001407583.1 and 23 more transcripts); c.4239A>G, p.Leu1413= (NM_001407587.1, NM_001407590.1, NM_001407591.1 and 21 more transcripts); c.4236A>G, p.Leu1412= (NM_001407627.1, NM_001407628.1, NM_001407629.1 and 5 more transcripts); c.4230A>G, p.Leu1410= (NM_001407646.1, NM_001407647.1); c.4119A>G, p.Leu1373= (NM_001407648.1, NM_001407664.1, NM_001407665.1 and 13 more transcripts); c.4116A>G, p.Leu1372= (NM_001407649.1, NM_001407670.1, NM_001407671.1 and 12 more transcripts); c.4164A>G, p.Leu1388= (NM_001407653.1, NM_001407654.1, NM_001407655.1 and 2 more transcripts); and 51 more.
Identifiers: ClinVar variation 384529 (VCV000384529.21), dbSNP rs1057521982, ClinGen allele CA16607260.